The following is an entry in ClinVar:

NM_001849.4(COL6A2):c.2417G>A (p.Cys806Tyr)

Gene: COL6A2 (collagen type VI alpha 2 chain; plus strand). Cytogenetic location: 21q22.3.
Variant type: single nucleotide variant.
Coding change: c.2417G>A on transcript NM_001849.4 (MANE Select); coding-DNA position 2417, G replaced by A.
Protein change: p.Cys806Tyr; replaces cysteine 806 with tyrosine.
Molecular consequence: missense variant.
Genome position (GRCh38, 1-based): chr21:46,126,232, G>A. VCF-style: chr21-46126232-G-A. GRCh37 (hg19) VCF-style: chr21-47546146-G-A.
Other names: c.2417G>A, p.Cys806Tyr (NM_058174.3, NM_058175.3); short protein forms C806Y.
Identifiers: ClinVar variation 595435 (VCV000595435.16), dbSNP rs749043206, ClinGen allele CA10072555.

ClinVar aggregate classification (germline): Uncertain significance. Review status: criteria provided, multiple submitters, no conflicts (2 of 4 stars). 3 submissions from 3 submitters: Uncertain significance (3). Last evaluated 2024-07-24.

Conditions:
Bethlem myopathy 1A. Also called: Bethlem myopathy 1; MYOPATHY, BENIGN CONGENITAL, WITH CONTRACTURES; Bethlem Muscular Dystrophy. Identifiers: Orphanet 610, MedGen CN029274, MONDO:0024530, OMIM 158810.
Collagen 6-related myopathy. Identifiers: MedGen CN117976, MONDO:0100225.

Allele frequency attached by ClinVar (database versions not stated): gnomAD exomes below 0.00001; ExAC 0.00001.
gnomAD v4.1: 2 of 1,598,366 alleles (0.00013%); highest among the groups gnomAD compares: Non-Finnish European, 0.00017%; no homozygotes.

Submissions (3):

Labcorp Genetics (formerly Invitae), Labcorp
Classification: Uncertain significance for Bethlem myopathy 1A. Last evaluated: 2024-07-24. Review status: criteria provided, single submitter. Criteria: Invitae Variant Classification Sherloc (09022015). Collection method: clinical testing. Allele origin: germline.
Comment: This sequence change replaces cysteine, which is neutral and slightly polar, with tyrosine, which is neutral and polar, at codon 806 of the COL6A2 protein (p.Cys806Tyr). The frequency data for this variant in the population databases is considered unreliable, as metrics indicate poor data quality at this position in the gnomAD database. This variant has not been reported in the literature in individuals affected with COL6A2-related conditions. ClinVar contains an entry for this variant (Variation ID: 595435). Advanced modeling of protein sequence and biophysical properties (such as structural, functional, and spatial information, amino acid conservation, physicochemical variation, residue mobility, and thermodynamic stability) performed at Invitae indicates that this missense variant is expected to disrupt COL6A2 protein function with a positive predictive value of 80%. In summary, the available evidence is currently insufficient to determine the role of this variant in disease. Therefore, it has been classified as a Variant of Uncertain Significance.

Illumina Laboratory Services, Illumina
Classification: Uncertain significance for Collagen VI-related myopathy. Last evaluated: 2018-01-12. Review status: criteria provided, single submitter. Criteria: ICSL Variant Classification Criteria 13 December 2019. Collection method: clinical testing. Allele origin: germline.

Eurofins Ntd Llc (ga)
Classification: Uncertain significance. Last evaluated: 2017-12-19. Review status: criteria provided, single submitter. Criteria: EGL Classification Definitions 2015. Collection method: clinical testing. Allele origin: germline. Observed: 1 variant allele, 1 heterozygote.